The following is an entry in ClinVar:

NM_001563.4(IMPG1):c.667-39_713del

Gene: IMPG1 (interphotoreceptor matrix proteoglycan 1; minus strand). Cytogenetic location: 6q14.1.
Variant type: Deletion.
Coding change: c.667-39_713del on transcript NM_001563.4 (MANE Select); 39 bases into the intron before coding-DNA position 667 through coding-DNA position 713, 86 bases deleted.
Molecular consequence: splice acceptor variant.
Genome position (GRCh38, 1-based): chr6:76,018,812-76,018,897, 86 bases deleted. GRCh37 (hg19): chr6:76,728,530-76,728,615.
Other names: c.433-39_479del (NM_001282368.2).
Identifiers: ClinVar variation 2034497 (VCV002034497.4), dbSNP rs2481498586, ClinGen allele CA2580075848.

ClinVar aggregate classification (germline): Likely pathogenic (1 of 4 stars; one submission).

Submission:

Labcorp Genetics (formerly Invitae), Labcorp
Classification: Likely pathogenic. Last evaluated: 2024-03-18. Review status: criteria provided, single submitter. Criteria: Invitae Variant Classification Sherloc (09022015). Collection method: clinical testing. Allele origin: germline.
Comment: This variant results in the deletion of part of exon 7 (c.667-39_713del) of the IMPG1 gene. It is expected to disrupt RNA splicing. Variants that disrupt the donor or acceptor splice site typically lead to a loss of protein function (PMID: 16199547), and loss-of-function variants in IMPG1 are known to be pathogenic (PMID: 23993198). This variant is not present in population databases (gnomAD no frequency). This variant has not been reported in the literature in individuals affected with IMPG1-related conditions. Algorithms developed to predict the effect of sequence changes on RNA splicing suggest that this variant may disrupt the consensus splice site. In summary, the currently available evidence indicates that the variant is pathogenic, but additional data are needed to prove that conclusively. Therefore, this variant has been classified as Likely Pathogenic.

Literature cited by the submitters: PubMed 16199547; PubMed 23993198.